The following is an entry in ClinVar:

NM_006852.6(TLK2):c.1973C>G (p.Pro658Arg)

Gene: TLK2 (tousled like kinase 2; plus strand). Cytogenetic location: 17q23.2.
Variant type: single nucleotide variant.
Coding change: c.1973C>G on transcript NM_006852.6 (MANE Select); coding-DNA position 1973, C replaced by G.
Protein change: p.Pro658Arg; replaces proline 658 with arginine.
Molecular consequence: missense variant.
Genome position (GRCh38, 1-based): chr17:62,608,042, C>G. VCF-style: chr17-62608042-C-G. GRCh37 (hg19) VCF-style: chr17-60685403-C-G.
Other names: c.2039C>G, p.Pro680Arg (NM_001284333.3); c.1877C>G, p.Pro626Arg (NM_001284363.1, NM_001375272.1); c.1526C>G, p.Pro509Arg (NM_001330418.3, NM_001375273.1); c.2015C>G, p.Pro672Arg (NM_001375269.1); c.1973C>G, p.Pro658Arg (NM_001375270.1, NM_001375271.1); short protein forms P509R, P626R, P658R, P680R, P672R.
Identifiers: ClinVar variation 617915 (VCV000617915.2), dbSNP rs1568018905, ClinGen allele CA400514886.

ClinVar aggregate classification (germline): Likely pathogenic. Review status: criteria provided, multiple submitters, no conflicts (2 of 4 stars). 2 submissions from 2 submitters: Likely pathogenic (2). Last evaluated 2022-08-01.

Conditions:
TLK2-related disorder. Also called: TLK2-related condition.
Intellectual developmental disorder, autosomal dominant 57. Also called: MENTAL RETARDATION, AUTOSOMAL DOMINANT 57; Intellectual disability, autosomal dominant 57. Identifiers: MedGen C4748003, MONDO:0054837, OMIM 618050.

Submissions (2):

Blueprint Genetics
Classification: Likely pathogenic for TLK2-related disorders. Last evaluated: 2022-08-01. Review status: criteria provided, single submitter. Criteria: ACMG Guidelines, 2015. Collection method: clinical testing. Allele origin: de novo. Affected: yes. Observed: 1 variant allele.

SIB Swiss Institute of Bioinformatics
Classification: Likely pathogenic for Intellectual developmental disorder, autosomal dominant 57. Last evaluated: 2018-10-15. Review status: criteria provided, single submitter. Criteria: ACMG Guidelines, 2015. Collection method: curation. Allele origin: unknown.
Comment: This variant is interpreted as Likely Pathogenic, for Mental retardation, autosomal dominant 57. The following ACMG Tag(s) were applied: PM2 => Absent from controls (or at extremely low frequency if recessive) in Exome Sequencing Project, 1000 Genomes Project, or Exome Aggregation Consortium. PM6 => Assumed de novo, but without confirmation of paternity and maternity (PubMed 29861108). PP3 => Multiple lines of computational evidence support a deleterious effect on the gene or gene product. PM1 => Located in a mutational hot spot and/or critical and well-established functional domain (e.g., active site of an enzyme) without benign variation. Located in the protein kinase domain.

Literature cited by the submitters: PubMed 29861108 (cited by SIB Swiss Institute of Bioinformatics).